The following is an entry in ClinVar:

ClinVar aggregate classification (germline): Conflicting classifications of pathogenicity. Review status: criteria provided, conflicting classifications (1 of 4 stars). 2 submissions from 2 submitters: Likely pathogenic (1); Uncertain significance (1). Last evaluated 2025-10-09.

Submissions (2):

GeneDx
Classification: Likely pathogenic. Last evaluated: 2025-10-09. Review status: criteria provided, single submitter. Criteria: GeneDx Variant Classification Process June 2021. Collection method: clinical testing. Allele origin: germline.
Comment: Not observed at significant frequency in large population cohorts (gnomAD); In silico analysis supports that this missense variant has a deleterious effect on protein structure/function; This variant is associated with the following publications: (PMID: 28427807)

Athena Diagnostics
Classification: Uncertain significance. Last evaluated: 2024-11-14. Review status: criteria provided, single submitter. Criteria: Athena Diagnostics Criteria. Collection method: clinical testing. Allele origin: unknown.
Comment: Available data are insufficient to determine the clinical significance of the variant at this time. This variant has not been reported in large, multi-ethnic general populations. Polyphen and MutationTaster predict this amino acid change may be damaging to the protein.

Literature cited by the submitters: PubMed 28427807 (cited by Athena Diagnostics).

NM_000083.3(CLCN1):c.982A>G (p.Thr328Ala)

Gene: CLCN1 (chloride voltage-gated channel 1; plus strand). Cytogenetic location: 7q34.
Variant type: single nucleotide variant.
Coding change: c.982A>G on transcript NM_000083.3 (MANE Select); coding-DNA position 982, A replaced by G.
Protein change: p.Thr328Ala; replaces threonine 328 with alanine.
Molecular consequence: missense variant. On other transcripts: non-coding transcript variant (1).
Genome position (GRCh38, 1-based): chr7:143,331,234, A>G. VCF-style: chr7-143331234-A-G. GRCh37 (hg19) VCF-style: chr7-143028327-A-G.
Other names: short protein forms T328A.
Identifiers: ClinVar variation 3571618 (VCV003571618.3).